The following is an entry in ClinVar:

NM_000494.4(COL17A1):c.1535A>G (p.Tyr512Cys)

Gene: COL17A1 (collagen type XVII alpha 1 chain; minus strand). Cytogenetic location: 10q25.1.
Variant type: single nucleotide variant.
Coding change: c.1535A>G on transcript NM_000494.4 (MANE Select); coding-DNA position 1535, A replaced by G.
Protein change: p.Tyr512Cys; replaces tyrosine 512 with cysteine.
Molecular consequence: missense variant.
Genome position (GRCh38, 1-based): chr10:104,055,934, T>C on the plus strand (A>G on the coding strand, the complement: COL17A1 is on the minus strand). VCF-style: chr10-104055934-T-C. GRCh37 (hg19) VCF-style: chr10-105815692-T-C.
Other names: short protein forms Y512C.
Identifiers: ClinVar variation 3268577 (VCV003268577.2).

ClinVar aggregate classification (germline): Uncertain significance. Review status: criteria provided, multiple submitters, no conflicts (2 of 4 stars). 2 submissions from 2 submitters: Uncertain significance (2). Last evaluated 2025-12-18.

Conditions:
Inborn genetic diseases. Identifiers: MedGen C0950123, MeSH D030342.

gnomAD v4.1: 11 of 1,614,040 alleles (0.00068%); highest among the groups gnomAD compares: South Asian, 0.0077%; no homozygotes.

Submissions (2):

Labcorp Genetics (formerly Invitae), Labcorp
Classification: Uncertain significance. Last evaluated: 2025-12-18. Review status: criteria provided, single submitter. Criteria: Invitae Variant Classification Sherloc (09022015). Collection method: clinical testing. Allele origin: germline.
Comment: This sequence change replaces tyrosine, which is neutral and polar, with cysteine, which is neutral and slightly polar, at codon 512 of the COL17A1 protein (p.Tyr512Cys). This variant is present in population databases (rs773132495, gnomAD 0.02%). This variant has not been reported in the literature in individuals affected with COL17A1-related conditions. ClinVar contains an entry for this variant (Variation ID: 3268577). Invitae Evidence Modeling of protein sequence and biophysical properties (such as structural, functional, and spatial information, amino acid conservation, physicochemical variation, residue mobility, and thermodynamic stability) indicates that this missense variant is not expected to disrupt COL17A1 protein function with a negative predictive value of 80%. In summary, the available evidence is currently insufficient to determine the role of this variant in disease. Therefore, it has been classified as a Variant of Uncertain Significance.

Ambry Genetics
Classification: Uncertain significance for Inborn genetic diseases. Last evaluated: 2024-05-06. Review status: criteria provided, single submitter. Criteria: Ambry Variant Classification Scheme 2023. Collection method: clinical testing. Allele origin: germline.